The following is an entry in ClinVar:

NM_001127208.3(TET2):c.3360G>T (p.Leu1120Phe)

Genes: TET2 (tet methylcytosine dioxygenase 2; plus strand), TET2-AS1 (TET2 antisense RNA 1; minus strand). Cytogenetic location: 4q24.
Variant type: single nucleotide variant.
Coding change: c.3360G>T on transcript NM_001127208.3 (MANE Select); coding-DNA position 3360, G replaced by T.
Protein change: p.Leu1120Phe; replaces leucine 1120 with phenylalanine.
Molecular consequence: missense variant.
Genome position (GRCh38, 1-based): chr4:105,237,302, G>T. VCF-style: chr4-105237302-G-T. GRCh37 (hg19) VCF-style: chr4-106158459-G-T.
Other names: c.3360G>T, p.Leu1120Phe (NM_017628.4); short protein forms L1120F.
Identifiers: ClinVar variation 4594248 (VCV004594248.1).
Genomic context (GRCh38, chr4:105,237,302, plus strand): 5'-TCTCAATAATTTTATAGAGTCACCTTCCAAATTACTAGATACTCCTATAAAAAATTTATT[G>T]GATACACCTGTCAAGACTCAATATGATTTCCCATCTTGCAGATGTGTAGGTAAGTGCCAG-3'
Protein context (NP_001120680.1, residues 1110-1130): KLLDTPIKNL[Leu1120Phe]DTPVKTQYDF

ClinVar aggregate classification (germline): Uncertain significance (1 of 4 stars; one submission).

gnomAD v4.1: 3 of 1,613,926 alleles (0.00019%); highest among the groups gnomAD compares: Non-Finnish European, 0.00025%; no homozygotes.

Submission:

Ambry Genetics
Classification: Uncertain significance. Last evaluated: 2025-12-13. Review status: criteria provided, single submitter. Criteria: Ambry Variant Classification Scheme 2023. Collection method: clinical testing. Allele origin: germline.
Comment: The p.L1120F variant (also known as c.3360G>T), located in coding exon 1 of the TET2 gene, results from a G to T substitution at nucleotide position 3360. The leucine at codon 1120 is replaced by phenylalanine, an amino acid with highly similar properties. This amino acid position is conserved. In addition, this alteration is predicted to be tolerated by in silico analysis. Based on the available evidence, the clinical significance of this variant remains unclear.